The following is an entry in ClinVar:

NM_000135.4(FANCA):c.2877C>G (p.Ile959Met)

Gene: FANCA (FA complementation group A; minus strand). Cytogenetic location: 16q24.3.
Variant type: single nucleotide variant.
Coding change: c.2877C>G on transcript NM_000135.4 (MANE Select); coding-DNA position 2877, C replaced by G.
Protein change: p.Ile959Met; replaces isoleucine 959 with methionine.
Molecular consequence: missense variant.
Genome position (GRCh38, 1-based): chr16:89,758,681, G>C on the plus strand (C>G on the coding strand, the complement: FANCA is on the minus strand). VCF-style: chr16-89758681-G-C. GRCh37 (hg19) VCF-style: chr16-89825089-G-C.
Other names: c.2877C>G, p.Ile959Met (NM_001286167.3); short protein forms I959M.
Identifiers: ClinVar variation 2867124 (VCV002867124.4), dbSNP rs369548782, ClinGen allele CA397431495.

ClinVar aggregate classification (germline): Uncertain significance. Review status: criteria provided, multiple submitters, no conflicts (2 of 4 stars). 2 submissions from 2 submitters: Uncertain significance (2). Last evaluated 2025-12-20.

Conditions:
Inborn genetic diseases. Identifiers: MedGen C0950123, MeSH D030342.
Fanconi anemia (FA). Also called: Fanconi's anemia. Identifiers: Orphanet 84, MedGen C0015625, MeSH D005199, MONDO:0019391.

Allele frequency attached by ClinVar (database versions not stated): gnomAD exomes below 0.00001.
gnomAD v4.1: 1 of 1,613,958 alleles (0.000062%); highest among the groups gnomAD compares: Non-Finnish European, 0.000085%; no homozygotes.

Submissions (2):

Ambry Genetics
Classification: Uncertain significance for Inborn genetic diseases. Last evaluated: 2025-12-20. Review status: criteria provided, single submitter. Criteria: Ambry Variant Classification Scheme 2023. Collection method: clinical testing. Allele origin: germline.
Comment: The p.I959M variant (also known as c.2877C>G), located in coding exon 30 of the FANCA gene, results from a C to G substitution at nucleotide position 2877. The isoleucine at codon 959 is replaced by methionine, an amino acid with highly similar properties. This amino acid position is conserved. In addition, the in silico prediction for this alteration is inconclusive. Based on the available evidence, the clinical significance of this variant remains unclear.

Labcorp Genetics (formerly Invitae), Labcorp
Classification: Uncertain significance for Fanconi anemia. Last evaluated: 2023-04-22. Review status: criteria provided, single submitter. Criteria: Invitae Variant Classification Sherloc (09022015). Collection method: clinical testing. Allele origin: germline.
Comment: In summary, the available evidence is currently insufficient to determine the role of this variant in disease. Therefore, it has been classified as a Variant of Uncertain Significance. This sequence change replaces isoleucine, which is neutral and non-polar, with methionine, which is neutral and non-polar, at codon 959 of the FANCA protein (p.Ile959Met). This variant is not present in population databases (gnomAD no frequency). This variant has not been reported in the literature in individuals affected with FANCA-related conditions. Advanced modeling of protein sequence and biophysical properties (such as structural, functional, and spatial information, amino acid conservation, physicochemical variation, residue mobility, and thermodynamic stability) performed at Invitae indicates that this missense variant is expected to disrupt FANCA protein function.